The following is an entry in ClinVar:

NM_004415.4(DSP):c.485G>T (p.Arg162Leu)

Gene: DSP (desmoplakin; plus strand). Cytogenetic location: 6p24.3.
Variant type: single nucleotide variant.
Coding change: c.485G>T on transcript NM_004415.4 (MANE Select); coding-DNA position 485, G replaced by T.
Protein change: p.Arg162Leu; replaces arginine 162 with leucine.
Molecular consequence: missense variant.
Genome position (GRCh38, 1-based): chr6:7,559,288, G>T. VCF-style: chr6-7559288-G-T. GRCh37 (hg19) VCF-style: chr6-7559521-G-T.
Other names: c.485G>T, p.Arg162Leu (NM_001008844.3, NM_001319034.2); short protein forms R162L.
Identifiers: ClinVar variation 44923 (VCV000044923.20), dbSNP rs397516944, ClinGen allele CA006246.

ClinVar aggregate classification (germline): Conflicting classifications of pathogenicity. Review status: criteria provided, conflicting classifications (1 of 4 stars). 5 submissions from 5 submitters: Uncertain significance (3); Likely benign (1). 1 of the submissions does not count toward it. Last evaluated 2025-12-14.

Conditions:
Cardiomyopathy (CMYO). Also called: Cardiomyopathies. Identifiers: Orphanet 167848, MedGen C0878544, MONDO:0004994, HP:0001638. Inheritance: Various modes of inheritance.
Arrhythmogenic cardiomyopathy with wooly hair and keratoderma. Also called: Dilated cardiomyopathy with woolly hair and keratoderma; Arrhythmogenic cardiomyopathy with woolly hair and keratoderma; PALMOPLANTAR KERATODERMA WITH LEFT VENTRICULAR CARDIOMYOPATHY AND WOOLLY HAIR; Carvajal syndrome. Identifiers: Orphanet 65282, MedGen C1854063, MONDO:0011581, OMIM 605676.
Arrhythmogenic right ventricular dysplasia 8 (ARVD8). Also called: Arrhythmogenic Right Ventricular Dysplasia/Cardiomyopathy 8; ARRHYTHMOGENIC RIGHT VENTRICULAR DYSPLASIA, FAMILIAL, 8; ARRHYTHMOGENIC RIGHT VENTRICULAR CARDIOMYOPATHY 8. Identifiers: MedGen C1843896, MONDO:0011831, OMIM 607450.

Allele frequency attached by ClinVar (database versions not stated): TOPMed 0.00001; gnomAD 0.00003.

Submissions (5):

Labcorp Genetics (formerly Invitae), Labcorp
Classification: Likely benign for Arrhythmogenic cardiomyopathy with wooly hair and keratoderma; Arrhythmogenic right ventricular dysplasia 8. Last evaluated: 2025-12-14. Review status: criteria provided, single submitter. Criteria: Invitae Variant Classification Sherloc (09022015). Collection method: clinical testing. Allele origin: germline.

All of Us Research Program, National Institutes of Health
Classification: Uncertain significance for Arrhythmogenic cardiomyopathy with wooly hair and keratoderma. Last evaluated: 2024-04-25. Review status: criteria provided, single submitter. Criteria: ACMG Guidelines, 2015. Collection method: clinical testing. Allele origin: germline. Inheritance: Autosomal dominant inheritance. Observed: 1 variant allele, 1 heterozygote.
Comment: This missense variant replaces arginine with leucine at codon 162 of the DSP protein. Computational prediction suggests that this variant may not impact protein structure and function (internally defined REVEL score threshold <= 0.5, PMID: 27666373). To our knowledge, functional studies have not been reported for this variant. This variant has been reported in an individual affected with arrhythmogenic right ventricular cardiomyopathy (PMID: 26743238). This variant has been identified in 4/282608 chromosomes in the general population by the Genome Aggregation Database (gnomAD). The available evidence is insufficient to determine the role of this variant in disease conclusively. Therefore, this variant is classified as a Variant of Uncertain Significance.

This study involves interpretation of variants in research participants for the purpose of population health screening. Participant phenotype was not available at the time of variant classification. Additional details can be found in publication PMID: 35346344, PMCID: PMC8962531

Color Diagnostics, LLC DBA Color Health
Classification: Uncertain significance for Cardiomyopathy. Last evaluated: 2024-04-09. Review status: criteria provided, single submitter. Criteria: ACMG Guidelines, 2015. Collection method: clinical testing. Allele origin: germline.
Comment: This missense variant replaces arginine with leucine at codon 162 of the DSP protein. Computational prediction suggests that this variant may not impact protein structure and function (internally defined REVEL score threshold <= 0.5, PMID: 27666373). To our knowledge, functional studies have not been reported for this variant. This variant has been reported in an individual affected with arrhythmogenic right ventricular cardiomyopathy (PMID: 26743238). This variant has been identified in 4/282608 chromosomes in the general population by the Genome Aggregation Database (gnomAD). The available evidence is insufficient to determine the role of this variant in disease conclusively. Therefore, this variant is classified as a Variant of Uncertain Significance.

GeneDx
Classification: Uncertain significance. Last evaluated: 2022-07-27. Review status: criteria provided, single submitter. Criteria: GeneDx Variant Classification Process June 2021. Collection method: clinical testing. Allele origin: germline. Affected: yes.
Comment: Not observed at significant frequency in large population cohorts (gnomAD); In silico analysis supports that this missense variant does not alter protein structure/function; Has not been previously published as pathogenic or benign to our knowledge

Laboratory for Molecular Medicine, Mass General Brigham Personalized Medicine
Classification: Uncertain significance. Last evaluated: 2009-01-06. Review status: no assertion criteria provided. Collection method: clinical testing. Allele origin: germline. Observed: 1 variant allele. Not counted in ClinVar's aggregate classification.

Literature cited by the submitters: PubMed 26743238 (cited by All of Us Research Program, National Institutes of Health and Color Diagnostics, LLC DBA Color Health).